The following is an entry in ClinVar:

ClinVar aggregate classification (germline): Conflicting classifications of pathogenicity. Review status: criteria provided, conflicting classifications (1 of 4 stars). 10 submissions from 6 submitters: Uncertain significance (3); Benign (1); Likely benign (6). Last evaluated 2025-11-25.

Conditions:
Tibial muscular dystrophy (TMD). Also called: Udd Distal Myopathy – Tibial Muscular Dystrophy; UDD MYOPATHY; Tibial muscular dystrophy, tardive. Identifiers: Orphanet 609, MedGen C1838244, MONDO:0010870, OMIM 600334.
Myopathy, myofibrillar, 9, with early respiratory failure (MFM9). Also called: Myopathy, distal, with early respiratory failure, autosomal dominant; EDSTROM MYOPATHY; Hereditary myopathy with early respiratory failure; MYOPATHY, PROXIMAL, WITH EARLY RESPIRATORY MUSCLE INVOLVEMENT. Identifiers: Orphanet 178464, Orphanet 34521, MedGen C1863599, MONDO:0011362, OMIM 603689.
TTN-related disorder. Also called: TTN-related condition; TTN-related disease; TTN-related disorders.
Dilated cardiomyopathy 1G (CMD1G). Identifiers: Orphanet 154, MedGen C1858763, MONDO:0011400, OMIM 604145.
Autosomal recessive limb-girdle muscular dystrophy type 2J (LGMDR10). Also called: MUSCULAR DYSTROPHY, LIMB-GIRDLE, AUTOSOMAL RECESSIVE 10; Limb-girdle muscular dystrophy, type 2J. Identifiers: Orphanet 140922, MedGen C1837342, MONDO:0012127, OMIM 608807.
Early-onset myopathy with fatal cardiomyopathy (CMYO5). Also called: CONGENITAL MYOPATHY 5 WITH CARDIOMYOPATHY; Salih Myopathy. Identifiers: Orphanet 289377, MedGen C2673677, MONDO:0012714, OMIM 611705. Disease mechanism: loss of function.

Allele frequency attached by ClinVar (database versions not stated): gnomAD 0.00001; ExAC 0.00003; TOPMed 0.00003; gnomAD exomes 0.00004 and 0.00005.
gnomAD v4.1: 60 of 1,613,504 alleles (0.0037%); highest among the groups gnomAD compares: Non-Finnish European, 0.0025%; no homozygotes.

Submissions (10):

Labcorp Genetics (formerly Invitae), Labcorp
Classification: Likely benign for Dilated cardiomyopathy 1G; Autosomal recessive limb-girdle muscular dystrophy type 2J. Last evaluated: 2025-11-25. Review status: criteria provided, single submitter. Criteria: Invitae Variant Classification Sherloc (09022015). Collection method: clinical testing. Allele origin: germline.

PreventionGenetics, part of Exact Sciences
Classification: Likely benign for TTN-related condition. Last evaluated: 2025-08-13. Review status: criteria provided, single submitter. Criteria: ACMG Guidelines, 2015. Collection method: clinical testing. Allele origin: germline.
Comment: This variant is classified as likely benign based on ACMG/AMP sequence variant interpretation guidelines (Richards et al. 2015 PMID: 25741868, with internal and published modifications).

CeGaT Center for Human Genetics Tuebingen
Classification: Likely benign. Last evaluated: 2025-03-01. Review status: criteria provided, single submitter. Criteria: CeGaT Center For Human Genetics Tuebingen Variant Classification Criteria Version 2. Collection method: clinical testing. Allele origin: germline. Affected: yes. Observed: 5 variant alleles.
Comment: TTN: BP4, BP7

Blueprint Genetics
Classification: Likely benign. Last evaluated: 2024-09-03. Review status: criteria provided, single submitter. Criteria: ACMG Guidelines, 2015. Collection method: clinical testing. Allele origin: germline.

Women's Health and Genetics/Laboratory Corporation of America, LabCorp
Classification: Likely benign. Last evaluated: 2022-11-19. Review status: criteria provided, single submitter. Criteria: LabCorp Variant Classification Summary - May 2015. Collection method: clinical testing. Allele origin: germline.

Illumina Laboratory Services, Illumina
Classification: Likely benign for Myopathy, myofibrillar, 9, with early respiratory failure. Last evaluated: 2018-01-12. Review status: criteria provided, single submitter. Criteria: ICSL Variant Classification Criteria 13 December 2019. Collection method: clinical testing. Allele origin: germline.
Comment: This variant was observed in the ICSL laboratory as part of a predisposition screen in an ostensibly healthy population. It had not been previously curated by ICSL or reported in the Human Gene Mutation Database (HGMD: prior to June 1st, 2018), and was therefore a candidate for classification through an automated scoring system. Utilizing variant allele frequency, disease prevalence and penetrance estimates, and inheritance mode, an automated score was calculated to assess if this variant is too frequent to cause the disease. Based on the score and internal cut-off values, a variant classified as likely benign is not then subjected to further curation. The score for this variant resulted in a classification of likely benign for this disease.

Illumina Laboratory Services, Illumina
Classification: Uncertain significance for Autosomal recessive limb-girdle muscular dystrophy type 2J. Last evaluated: 2018-01-12. Review status: criteria provided, single submitter. Criteria: ICSL Variant Classification Criteria 13 December 2019. Collection method: clinical testing. Allele origin: germline.

Illumina Laboratory Services, Illumina
Classification: Uncertain significance for Early-onset myopathy with fatal cardiomyopathy. Last evaluated: 2018-01-12. Review status: criteria provided, single submitter. Criteria: ICSL Variant Classification Criteria 13 December 2019. Collection method: clinical testing. Allele origin: germline.

Illumina Laboratory Services, Illumina
Classification: Uncertain significance for Dilated cardiomyopathy 1G. Last evaluated: 2018-01-12. Review status: criteria provided, single submitter. Criteria: ICSL Variant Classification Criteria 13 December 2019. Collection method: clinical testing. Allele origin: germline.

Illumina Laboratory Services, Illumina
Classification: Benign for Tibial muscular dystrophy. Last evaluated: 2018-01-12. Review status: criteria provided, single submitter. Criteria: ICSL Variant Classification Criteria 13 December 2019. Collection method: clinical testing. Allele origin: germline.
Comment: This variant was observed in the ICSL laboratory as part of a predisposition screen in an ostensibly healthy population. It had not been previously curated by ICSL or reported in the Human Gene Mutation Database (HGMD: prior to June 1st, 2018), and was therefore a candidate for classification through an automated scoring system. Utilizing variant allele frequency, disease prevalence and penetrance estimates, and inheritance mode, an automated score was calculated to assess if this variant is too frequent to cause the disease. Based on the score and internal cut-off values, a variant classified as benign is not then subjected to further curation. The score for this variant resulted in a classification of benign for this disease.

NM_001267550.2(TTN):c.15408G>A (p.Ser5136=)

Gene: TTN (titin; minus strand). Cytogenetic location: 2q31.2.
Variant type: single nucleotide variant.
Coding change: c.15408G>A on transcript NM_001267550.2 (MANE Select); coding-DNA position 15408, G replaced by A.
Protein change: p.Ser5136=; no amino-acid change (serine 5136 retained).
Molecular consequence: synonymous variant. On other transcripts: intron variant (3).
Genome position (GRCh38, 1-based): chr2:178,734,416, C>T on the plus strand (G>A on the coding strand, the complement: TTN is on the minus strand). VCF-style: chr2-178734416-C-T. GRCh37 (hg19) VCF-style: chr2-179599143-C-T.
Other names: c.14457G>A, p.Ser4819= (NM_001256850.1); c.11676G>A, p.Ser3892= (NM_133378.4); c.13282+3666G>A (NM_003319.4); c.13858+3666G>A (NM_133437.4); c.13657+3666G>A (NM_133432.3).
Identifiers: ClinVar variation 332933 (VCV000332933.48), dbSNP rs761269554, ClinGen allele CA2002230.